The following is an entry in ClinVar:

ClinVar aggregate classification (germline): Pathogenic. Review status: criteria provided, multiple submitters, no conflicts (2 of 4 stars). 6 submissions from 6 submitters: Pathogenic (6). Last evaluated 2025-09-10.

Conditions:
Thrombocytopenia 1. Also called: X-Linked Thrombocytopenia (XLT); THROMBOCYTOPENIA, X-LINKED, 1; X-linked thrombocytopenia with normal platelets. Identifiers: Orphanet 268322, Orphanet 852, MedGen C1839163, MONDO:0010743, OMIM 313900.
X-linked severe congenital neutropenia (SCNX). Identifiers: Orphanet 86788, MedGen C1845987, MONDO:0010294, OMIM 300299.
Wiskott-Aldrich syndrome (WAS). Also called: ALDRICH SYNDROME; IMMUNODEFICIENCY 2; Wiskott-aldrich syndrome, somatic; WISKOTT-ALDRICH SYNDROME 1. Identifiers: Orphanet 906, MedGen C0043194, MONDO:0010518, OMIM 301000.

Allele frequency attached by ClinVar (database versions not stated): TOPMed below 0.00001.

Submissions (6):

Genomic Medicine Center of Excellence, King Faisal Specialist Hospital and Research Centre
Classification: Pathogenic for Wiskott-Aldrich syndrome. Last evaluated: 2025-09-10. Review status: criteria provided, single submitter. Criteria: ACMG Guidelines, 2015. Collection method: clinical testing. Allele origin: germline.

CeGaT Center for Human Genetics Tuebingen
Classification: Pathogenic. Last evaluated: 2024-08-01. Review status: criteria provided, single submitter. Criteria: CeGaT Center For Human Genetics Tuebingen Variant Classification Criteria Version 2. Collection method: clinical testing. Allele origin: germline. Affected: yes. Observed: 4 variant alleles.
Comment: WAS: PVS1:Strong, PM2, PP4:Moderate, PS4:Moderate

Labcorp Genetics (formerly Invitae), Labcorp
Classification: Pathogenic for Wiskott-Aldrich syndrome; X-linked severe congenital neutropenia; Thrombocytopenia 1. Last evaluated: 2024-06-25. Review status: criteria provided, single submitter. Criteria: Invitae Variant Classification Sherloc (09022015). Collection method: clinical testing. Allele origin: germline.
Comment: This sequence change creates a premature translational stop signal (p.Arg13*) in the WAS gene. It is expected to result in an absent or disrupted protein product. Loss-of-function variants in WAS are known to be pathogenic (PMID: 15284122). This variant is not present in population databases (gnomAD no frequency). This premature translational stop signal has been observed in individual(s) with Wiskott-Aldrich Syndrome (PMID: 7579347, 15497008, 21185603, 22523910). This variant is also known as 71C>T (Arg13Ter). ClinVar contains an entry for this variant (Variation ID: 36911). For these reasons, this variant has been classified as Pathogenic.

Fulgent Genetics
Classification: Pathogenic for X-linked severe congenital neutropenia; Wiskott-Aldrich syndrome; Thrombocytopenia 1. Last evaluated: 2024-03-21. Review status: criteria provided, single submitter. Criteria: ACMG Guidelines, 2015. Collection method: clinical testing. Allele origin: germline.

Genomics Facility, Ludwig-Maximilians-Universität München
Classification: Pathogenic for Wiskott-Aldrich syndrome. Last evaluated: 2021-12-28. Review status: criteria provided, single submitter. Criteria: ACMG Guidelines, 2015. Collection method: clinical testing. Allele origin: unknown. Inheritance: X-linked inheritance. Affected: yes.

Women's Health and Genetics/Laboratory Corporation of America, LabCorp
Classification: Pathogenic for Wiskott Aldrich Syndrome. Last evaluated: 2011-08-18. Review status: criteria provided, single submitter. Criteria: LabCorp Variant Classification Summary - May 2015. Collection method: curation, clinical testing. Allele origin: germline. Inheritance: Xlinked recessive. Affected: yes. Observed: 4 variant alleles.
ClinVar note: Converted during submission from pathogenic to Pathogenic.

Literature cited by the submitters: PubMed 15284122 (cited by Labcorp Genetics (formerly Invitae), Labcorp); PubMed 7579347 (cited by Labcorp Genetics (formerly Invitae), Labcorp and Genomics Facility, Ludwig-Maximilians-Universität München); PubMed 15497008 (cited by Labcorp Genetics (formerly Invitae), Labcorp); PubMed 21185603 (cited by Labcorp Genetics (formerly Invitae), Labcorp); PubMed 22523910 (cited by Labcorp Genetics (formerly Invitae), Labcorp); PubMed 17400488 (cited by Women's Health and Genetics/Laboratory Corporation of America, LabCorp); PubMed 18162713 (cited by Women's Health and Genetics/Laboratory Corporation of America, LabCorp); PubMed 12969986 (cited by Women's Health and Genetics/Laboratory Corporation of America, LabCorp); PubMed 17703096 (cited by Women's Health and Genetics/Laboratory Corporation of America, LabCorp).

NM_000377.3(WAS):c.37C>T (p.Arg13Ter)

Gene: WAS (WASP actin nucleation promoting factor; plus strand). Cytogenetic location: Xp11.23.
Variant type: single nucleotide variant.
Coding change: c.37C>T on transcript NM_000377.3 (MANE Select); coding-DNA position 37, C replaced by T.
Protein change: p.Arg13Ter; replaces arginine 13 with a stop codon.
Molecular consequence: nonsense.
Genome position (GRCh38, 1-based): chrX:48,683,890, C>T. VCF-style: chrX-48683890-C-T. GRCh37 (hg19) VCF-style: chrX-48542279-C-T.
Other names: short protein forms R13*.
Identifiers: ClinVar variation 36911 (VCV000036911.52), dbSNP rs193922415, ClinGen allele CA342897.